The following is an entry in ClinVar:

NM_005378.6(MYCN):c.638C>G (p.Pro213Arg)

Gene: MYCN (MYCN proto-oncogene, bHLH transcription factor; plus strand). Cytogenetic location: 2p24.3.
Variant type: single nucleotide variant.
Coding change: c.638C>G on transcript NM_005378.6 (MANE Select); coding-DNA position 638, C replaced by G.
Protein change: p.Pro213Arg; replaces proline 213 with arginine.
Molecular consequence: missense variant. On other transcripts: 3 prime UTR variant (1), intron variant (1).
Genome position (GRCh38, 1-based): chr2:15,942,702, C>G. VCF-style: chr2-15942702-C-G. GRCh37 (hg19) VCF-style: chr2-16082824-C-G.
Other names: c.638C>G, p.Pro213Arg (NM_001293228.2); c.*573C>G (NM_001293233.2); c.157+1959C>G (NM_001293231.2); short protein forms P213R.
Identifiers: ClinVar variation 3297298 (VCV003297298.5).

ClinVar aggregate classification (germline): Uncertain significance. Review status: criteria provided, multiple submitters, no conflicts (2 of 4 stars). 3 submissions from 3 submitters: Uncertain significance (3). Last evaluated 2026-05-11.

Conditions:
Feingold syndrome type 1 (FGLDS1). Also called: MICROCEPHALY, MENTAL RETARDATION, AND TRACHEOESOPHAGEAL FISTULA SYNDROME; MICROCEPHALY-OCULO-DIGITO-ESOPHAGEAL-DUODENAL SYNDROME; OCULODIGITOESOPHAGODUODENAL SYNDROME; ODED SYNDROME; MICROCEPHALY AND DIGITAL ABNORMALITIES WITH NORMAL INTELLIGENCE. Identifiers: Orphanet 1305, Orphanet 391641, MedGen C4551774, MONDO:0008115, OMIM 164280.
Megalencephaly-polydactyly syndrome (MPAPA). Identifiers: MedGen C5935591, MONDO:0958279, OMIM 620748.
Inborn genetic diseases. Identifiers: MedGen C0950123, MeSH D030342.

Submissions (3):

Ambry Genetics
Classification: Uncertain significance for Inborn genetic diseases. Last evaluated: 2026-05-11. Review status: criteria provided, single submitter. Criteria: Ambry Variant Classification Scheme 2023. Collection method: clinical testing. Allele origin: germline.

Fulgent Genetics
Classification: Uncertain significance for Feingold syndrome type 1; Megalencephaly-polydactyly syndrome. Last evaluated: 2024-04-25. Review status: criteria provided, single submitter. Criteria: ACMG Guidelines, 2015. Collection method: clinical testing. Allele origin: germline.

Labcorp Genetics (formerly Invitae), Labcorp
Classification: Uncertain significance. Last evaluated: 2024-04-02. Review status: criteria provided, single submitter. Criteria: Invitae Variant Classification Sherloc (09022015). Collection method: clinical testing. Allele origin: germline.
Comment: This sequence change replaces proline, which is neutral and non-polar, with arginine, which is basic and polar, at codon 213 of the MYCN protein (p.Pro213Arg). This variant is present in population databases (rs764655512, gnomAD 0.2%). This variant has not been reported in the literature in individuals affected with MYCN-related conditions. Advanced modeling of protein sequence and biophysical properties (such as structural, functional, and spatial information, amino acid conservation, physicochemical variation, residue mobility, and thermodynamic stability) performed at Invitae indicates that this missense variant is not expected to disrupt MYCN protein function with a negative predictive value of 80%. In summary, the available evidence is currently insufficient to determine the role of this variant in disease. Therefore, it has been classified as a Variant of Uncertain Significance.